The following is an entry in ClinVar:

ClinVar aggregate classification (germline): Uncertain significance (1 of 4 stars; one submission).

Conditions:
Inborn genetic diseases. Identifiers: MedGen C0950123, MeSH D030342.

gnomAD v4.1: 14 of 1,612,698 alleles (0.00087%); highest among the groups gnomAD compares: Non-Finnish European, 0.00093%; no homozygotes.

Submission:

Ambry Genetics
Classification: Uncertain significance for Inborn genetic diseases. Last evaluated: 2025-05-03. Review status: criteria provided, single submitter. Criteria: Ambry Variant Classification Scheme 2023. Collection method: clinical testing. Allele origin: germline.
Comment: The p.P1233L variant (also known as c.3698C>T), located in coding exon 13 of the F5 gene, results from a C to T substitution at nucleotide position 3698. The proline at codon 1233 is replaced by leucine, an amino acid with similar properties. This amino acid position is conserved. In addition, this alteration is predicted to be tolerated by in silico analysis. Based on the available evidence, the clinical significance of this variant remains unclear.

NM_000130.5(F5):c.3698C>T (p.Pro1233Leu)

Gene: F5 (coagulation factor V; minus strand). Cytogenetic location: 1q24.2.
Variant type: single nucleotide variant.
Coding change: c.3698C>T on transcript NM_000130.5 (MANE Select); coding-DNA position 3698, C replaced by T.
Protein change: p.Pro1233Leu; replaces proline 1233 with leucine.
Molecular consequence: missense variant.
Genome position (GRCh38, 1-based): chr1:169,541,392, G>A on the plus strand (C>T on the coding strand, the complement: F5 is on the minus strand). VCF-style: chr1-169541392-G-A. GRCh37 (hg19) VCF-style: chr1-169510630-G-A.
Other names: short protein forms P1233L.
Identifiers: ClinVar variation 4020745 (VCV004020745.1).